The following is an entry in ClinVar:

NM_001692.4(ATP6V1B1):c.1123del (p.Arg375fs)

Gene: ATP6V1B1 (ATPase H+ transporting V1 subunit B1; plus strand). Cytogenetic location: 2p13.3.
Variant type: Deletion.
Coding change: c.1123del on transcript NM_001692.4 (MANE Select); coding-DNA position 1123, one base deleted (A; older notation c.1123delA).
Protein change: p.Arg375fs; shifts the reading frame from arginine 375.
Molecular consequence: frameshift variant.
Genome position (GRCh38, 1-based): chr2:70,963,634, A deleted. VCF-style (leftmost placement, unchanged base first): chr2-70963633-CA-C. GRCh37 (hg19) VCF-style: chr2-71190763-CA-C.
Other names: short protein forms R375fs.
Identifiers: ClinVar variation 424584 (VCV000424584.3), dbSNP rs1064797052, ClinGen allele CA16617748.

ClinVar aggregate classification (germline): Pathogenic. Review status: criteria provided, multiple submitters, no conflicts (2 of 4 stars). 2 submissions from 2 submitters: Pathogenic (2). Last evaluated 2024-05-08.

Conditions:
Renal tubular acidosis with progressive nerve deafness. Also called: RENAL TUBULAR ACIDOSIS, AUTOSOMAL RECESSIVE, WITH PROGRESSIVE NERVE DEAFNESS; RTA WITH PROGRESSIVE NERVE DEAFNESS; Distal Renal Tubular Acidosis with Progressive Sensorineural Deafness; renal tubular acidosis, distal, 2, with progressive sensorineural hearing loss. Identifiers: MedGen C0403554, MONDO:0009968, OMIM 267300.

Submissions (2):

Myriad Genetics, Inc.
Classification: Pathogenic for Renal tubular acidosis with progressive nerve deafness. Last evaluated: 2024-05-08. Review status: criteria provided, single submitter. Criteria: Myriad Autosomal Dominant, Autosomal Recessive and X-Linked Classification Criteria (2023). Collection method: clinical testing. Allele origin: unknown.
Comment: NM_001692.3(ATP6V1B1):c.1123delA(R375Dfs*21) is expected to be pathogenic in the context of distal renal tubular acidosis with deafness, ATP6V1B1-related. This variant is predicted to lead to an abnormal or absent protein product due to the creation of a premature termination codon in ATP6V1B1, a gene where loss-of-function variants are known to be pathogenic. Please note: this variant was assessed in the context of healthy population screening.

GeneDx
Classification: Pathogenic. Last evaluated: 2017-03-29. Review status: criteria provided, single submitter. Criteria: GeneDx Variant Classification (06012015). Collection method: clinical testing. Allele origin: germline. Affected: yes.
Comment: The c.1123delA variant in the ATP6V1B1 gene has not been reported previously as a pathogenic variant nor as a benign variant, to our knowledge. The c.1123delA variant causes a frameshift starting with codon Arginine 375, changes this amino acid to an Aspartic Acid residue, and creates a premature Stop codon at position 21 of the new reading frame, denoted p.Arg375AspfsX21. This variant is predicted to cause loss of normal protein function either through protein truncation or nonsense-mediated mRNA decay. The c.1123delA variant is not observed in large population cohorts (Lek et al., 2016; 1000 Genomes Consortium et al., 2015; Exome Variant Server). We interpret c.1123delA as a pathogenic variant.